The following is an entry in ClinVar:

NM_001170700.3(DTHD1):c.2674A>G (p.Lys892Glu)

Gene: DTHD1 (death domain containing 1; plus strand). Cytogenetic location: 4p14.
Variant type: single nucleotide variant.
Coding change: c.2674A>G on transcript NM_001170700.3 (MANE Select); coding-DNA position 2674, A replaced by G.
Protein change: p.Lys892Glu; replaces lysine 892 with glutamic acid.
Molecular consequence: missense variant. On other transcripts: non-coding transcript variant (2).
Genome position (GRCh38, 1-based): chr4:36,343,777, A>G. VCF-style: chr4-36343777-A-G. GRCh37 (hg19) VCF-style: chr4-36345399-A-G.
Other names: c.1804A>G, p.Lys602Glu (NM_001136536.5); c.1683A>G, p.Ile561Met (NM_001378435.1); short protein forms I561M, K602E, K892E.
Identifiers: ClinVar variation 1001205 (VCV001001205.8), dbSNP rs1024204311, ClinGen allele CA356682614.
Genomic context (GRCh38, chr4:36,343,777, plus strand): 5'-CATCTCCGCAAGATTGGCAGGAGTGATCTTGCAGAAGAGCTCAAATTCAAGTGGGAAAAT[A>G]AAGTGTTCACTGAACCACAGCAGTGTTTTGATGTAGCCCCTGAGTAAAAGCCTGATCTCT-3'
Protein context (NP_001164171.2, residues 882-902): AEELKFKWEN[Lys892Glu]VFTEPQQCFD

ClinVar aggregate classification (germline): Uncertain significance (1 of 4 stars; one submission).

Allele frequency attached by ClinVar (database versions not stated): gnomAD exomes below 0.00001 and 0.00001.
gnomAD v4.1: 1 of 1,551,370 alleles (0.000064%); highest among the groups gnomAD compares: East Asian, 0.0024%; no homozygotes.

Submission:

Labcorp Genetics (formerly Invitae), Labcorp
Classification: Uncertain significance. Last evaluated: 2022-09-01. Review status: criteria provided, single submitter. Criteria: Invitae Variant Classification Sherloc (09022015). Collection method: clinical testing. Allele origin: germline.
Comment: This sequence change replaces lysine, which is basic and polar, with glutamic acid, which is acidic and polar, at codon 602 of the DTHD1 protein (p.Lys602Glu). This variant is present in population databases (no rsID available, gnomAD 0.01%). This variant has not been reported in the literature in individuals affected with DTHD1-related conditions. ClinVar contains an entry for this variant (Variation ID: 1001205). Algorithms developed to predict the effect of missense changes on protein structure and function are either unavailable or do not agree on the potential impact of this missense change (SIFT: "Deleterious"; PolyPhen-2: "Possibly Damaging"; Align-GVGD: "Class C0"). In summary, the available evidence is currently insufficient to determine the role of this variant in disease. Therefore, it has been classified as a Variant of Uncertain Significance.